The following is an entry in ClinVar:

ClinVar aggregate classification (germline): Pathogenic (1 of 4 stars; one submission).

Conditions:
Congenital myasthenic syndrome 8. Also called: MYASTHENIC SYNDROME, CONGENITAL, DUE TO AGRIN DEFICIENCY; Myasthenic syndrome, congenital, 8, with pre- and postsynaptic defects. Identifiers: Orphanet 590, MedGen C3808739, MONDO:0014052, OMIM 615120.

Submission:

Labcorp Genetics (formerly Invitae), Labcorp
Classification: Pathogenic for Congenital myasthenic syndrome 8. Last evaluated: 2022-08-16. Review status: criteria provided, single submitter. Criteria: Invitae Variant Classification Sherloc (09022015). Collection method: clinical testing. Allele origin: germline.
Comment: For these reasons, this variant has been classified as Pathogenic. ClinVar contains an entry for this variant (Variation ID: 654968). This variant has not been reported in the literature in individuals affected with AGRN-related conditions. This variant is not present in population databases (gnomAD no frequency). This sequence change creates a premature translational stop signal (p.Glu347Alafs*77) in the AGRN gene. It is expected to result in an absent or disrupted protein product. Loss-of-function variants in AGRN are known to be pathogenic (PMID: 24951643).

Literature cited by the submitters: PubMed 24951643.

NM_198576.4(AGRN):c.1036_1039dup (p.Glu347fs)

Gene: AGRN (agrin; plus strand). Cytogenetic location: 1p36.33.
Variant type: Duplication.
Coding change: c.1036_1039dup on transcript NM_198576.4 (MANE Select); coding-DNA positions 1036 to 1039, 4 bases duplicated (CCCG; older notation c.1036_1039dupCCCG).
Protein change: p.Glu347fs; shifts the reading frame from glutamic acid 347.
Molecular consequence: frameshift variant.
Genome position (GRCh38, 1-based): chr1:1,041,561-1,041,564, CCCG duplicated; duplicating any 4 consecutive bases within chr1:1,041,560-1,041,564 gives the same sequence; the c. name uses the placement nearest the transcript's 3' end. VCF-style (leftmost placement, unchanged base first): chr1-1041559-G-GGCCC. GRCh37 (hg19) VCF-style: chr1-976939-G-GGCCC.
Other names: c.1036_1039dup, p.Glu347fs (NM_001305275.2); c.721_724dup, p.Glu242fs (NM_001364727.2); short protein forms E242fs, E347fs.
Identifiers: ClinVar variation 654968 (VCV000654968.8), dbSNP rs1570195582, ClinGen allele CA915941076.
Genomic context (GRCh38, chr1:1,041,559, plus strand): 5'-CTGACCCGAGCCGCAGCTGCCGTGTGAACCCGCGCACGCGGCGCCCTGAGATGCTCCTAC[G>GGCCC]GCCCGAGAGCTGCCCTGCCCGGCAGGCGCCAGTGTGTGGGGACGACGGAGTCACCTACGA-3'